The following is an entry in ClinVar:

ClinVar aggregate classification (germline): Uncertain significance. Review status: criteria provided, multiple submitters, no conflicts (2 of 4 stars). 5 submissions from 5 submitters: Uncertain significance (5). Last evaluated 2025-07-02.

Conditions:
Hereditary spastic paraplegia. Also called: Familial spastic paraparesis. Identifiers: Orphanet 685, MedGen C0037773, MONDO:0019064. Disease mechanism: loss of function.
Hereditary spastic paraplegia 48. Also called: SPASTIC PARAPLEGIA 48, AUTOSOMAL RECESSIVE; Spastic paraplegia 48. Identifiers: Orphanet 306511, MedGen C3150901, MONDO:0013342, OMIM 613647.
Retinal dystrophy. Also called: Inherited retinal dystrophy. Identifiers: MedGen C0854723, MeSH D058499, MONDO:0019118, HP:0000556, Orphanet 71862.

Allele frequency attached by ClinVar (database versions not stated): TOPMed 0.00014; 1000 Genomes Project 30x 0.00031; 1000 Genomes Project 0.00100.
gnomAD v4.1: 212 of 1,611,768 alleles (0.013%); highest among the groups gnomAD compares: Admixed American, 0.033%; no homozygotes.

Submissions (5):

Athena Diagnostics
Classification: Uncertain significance. Last evaluated: 2025-07-02. Review status: criteria provided, single submitter. Criteria: Athena Diagnostics Criteria. Collection method: clinical testing. Allele origin: unknown.
Comment: Available data are insufficient to determine the clinical significance of the variant at this time. The frequency of this variant in the general population is higher than would generally be expected for pathogenic variants in this gene. Polyphen and MutationTaster yielded discordant predictions regarding whether this amino acid change is damaging to the protein.

Mayo Clinic Laboratories, Mayo Clinic
Classification: Uncertain significance. Last evaluated: 2024-08-05. Review status: criteria provided, single submitter. Criteria: ACMG Guidelines, 2015. Collection method: clinical testing. Allele origin: germline. Observed: 1 variant allele.
Comment: BP4

Labcorp Genetics (formerly Invitae), Labcorp
Classification: Uncertain significance for Hereditary spastic paraplegia 48. Last evaluated: 2023-11-14. Review status: criteria provided, single submitter. Criteria: Invitae Variant Classification Sherloc (09022015). Collection method: clinical testing. Allele origin: germline.
Comment: This sequence change replaces threonine, which is neutral and polar, with proline, which is neutral and non-polar, at codon 280 of the AP5Z1 protein (p.Thr280Pro). This variant is present in population databases (rs554060393, gnomAD 0.05%). This missense change has been observed in individual(s) with hereditary spastic paraplegia (PMID: 28832565). ClinVar contains an entry for this variant (Variation ID: 424671). Advanced modeling of protein sequence and biophysical properties (such as structural, functional, and spatial information, amino acid conservation, physicochemical variation, residue mobility, and thermodynamic stability) performed at Invitae indicates that this missense variant is not expected to disrupt AP5Z1 protein function with a negative predictive value of 80%. In summary, the available evidence is currently insufficient to determine the role of this variant in disease. Therefore, it has been classified as a Variant of Uncertain Significance.

Institute of Human Genetics, Univ. Regensburg, Univ. Regensburg
Classification: Uncertain significance for Retinal dystrophy. Last evaluated: 2023-01-01. Review status: criteria provided, single submitter. Criteria: ACMG Guidelines, 2015. Collection method: clinical testing. Allele origin: germline. Affected: yes.

Unit for Genetic & Epidemiological Research on Neurological Disorders, Instituto de Investigação e Inovação em Saúde
Classification: Uncertain significance for Hereditary spastic paraplegia. Last evaluated: 2017-03-07. Review status: criteria provided, single submitter. Criteria: Morais et al. (Eur J Hum Genet. 2017). Collection method: research. Allele origin: inherited. Affected: yes.

Literature cited by the submitters: PubMed 28832565 (cited by 3 submitters).

NM_014855.3(AP5Z1):c.838A>C (p.Thr280Pro)

Gene: AP5Z1 (adaptor related protein complex 5 subunit zeta 1; plus strand). Cytogenetic location: 7p22.1.
Variant type: single nucleotide variant.
Coding change: c.838A>C on transcript NM_014855.3 (MANE Select); coding-DNA position 838, A replaced by C.
Protein change: p.Thr280Pro; replaces threonine 280 with proline.
Molecular consequence: missense variant. On other transcripts: non-coding transcript variant (1).
Genome position (GRCh38, 1-based): chr7:4,784,955, A>C. VCF-style: chr7-4784955-A-C. GRCh37 (hg19) VCF-style: chr7-4824586-A-C.
Other names: p.Thr280Pro; c.838A>C, p.Thr280Pro (LRG_1247t1); c.370A>C, p.Thr124Pro (NM_001364858.1); short protein forms T280P, T124P.
Identifiers: ClinVar variation 424671 (VCV000424671.9), dbSNP rs554060393, ClinGen allele CA4137418.